The following is an entry in ClinVar:

NC_000010.10:g.(?_53893590)_(53921733_?)dup

Gene: PRKG1 (protein kinase cGMP-dependent 1; plus strand). Cytogenetic location: 10q21.1.
Variant type: Duplication.
Identifiers: ClinVar variation 662843 (VCV000662843.1).

ClinVar aggregate classification (germline): Uncertain significance (1 of 4 stars; one submission).

Conditions:
Aortic aneurysm, familial thoracic 8 (AAT8). Identifiers: MedGen C3809513, MONDO:0014187, OMIM 615436.

Submission:

Labcorp Genetics (formerly Invitae), Labcorp
Classification: Uncertain significance for Aortic aneurysm, familial thoracic 8. Last evaluated: 2018-12-05. Review status: criteria provided, single submitter. Criteria: Invitae Variant Classification Sherloc (09022015). Collection method: clinical testing. Allele origin: germline.
Comment: This variant is a gross duplication of the genomic region encompassing exons 8-9 of the PRKG1 gene. While the exact position of the duplicated exons cannot be determined from this data, sub-genic duplications are generally in tandem (PMID: 25640679). This duplication would be expected to be in-frame, preserving the integrity of the reading frame. This variant has not been reported in the literature in individuals with PRKG1-related disease. Experimental studies and prediction algorithms are not available for this variant, and the functional significance of the duplicated amino acid is currently unknown. In summary, the available evidence is currently insufficient to determine the role of this variant in disease. Therefore, it has been classified as a Variant of Uncertain Significance.